The following is an entry in ClinVar:

NM_014795.4(ZEB2):c.66del (p.Asn24fs)

Gene: ZEB2 (zinc finger E-box binding homeobox 2; minus strand). Cytogenetic location: 2q22.3.
Variant type: Deletion.
Coding change: c.66del on transcript NM_014795.4 (MANE Select); coding-DNA position 66, one base deleted (G; older notation c.66delG).
Protein change: p.Asn24fs; shifts the reading frame from asparagine 24.
Molecular consequence: frameshift variant. On other transcripts: non-coding transcript variant (1).
Genome position (GRCh38, 1-based): chr2:144,517,285, C deleted on the plus strand (G on the coding strand, the reverse complement: ZEB2 is on the minus strand); the first of 2 consecutive C bases (chr2:144,517,285-144,517,286); deleting either gives the same sequence. VCF-style (leftmost placement, unchanged base first): chr2-144517284-TC-T. GRCh37 (hg19) VCF-style: chr2-145274851-TC-T.
Other names: c.66del, p.Asn24fs (NM_001171653.2); short protein forms N24fs.
Identifiers: ClinVar variation 1691856 (VCV001691856.1), dbSNP rs2149935119, ClinGen allele CA2573133286.

ClinVar aggregate classification (germline): Likely pathogenic (1 of 4 stars; one submission).

Conditions:
Mowat-Wilson syndrome (MOWS). Also called: Classic Mowat-Wilson Syndrome. Identifiers: Orphanet 2152, MedGen C1856113, MONDO:0009341, OMIM 235730.

Submission:

Institute of Human Genetics, University of Leipzig Medical Center
Classification: Likely pathogenic for Mowat-Wilson syndrome. Last evaluated: 2022-05-13. Review status: criteria provided, single submitter. Criteria: ACMG Guidelines, 2015. Collection method: clinical testing. Allele origin: unknown. Affected: yes.
Comment: _x000D_ Criteria applied: PVS1, PM2_SUPP